The following is an entry in ClinVar:

ClinVar aggregate classification (germline): Likely benign. Review status: criteria provided, multiple submitters, no conflicts (2 of 4 stars). 2 submissions from 2 submitters: Likely benign (2). Last evaluated 2025-05-22.

Conditions:
AIFM1-related disorder. Also called: AIFM1-related condition.
Combined oxidative phosphorylation deficiency. Identifiers: MedGen C4540031, MONDO:0000732.
Charcot-Marie-Tooth Neuropathy X. Identifiers: MedGen CN118851.

Allele frequency attached by ClinVar (database versions not stated): gnomAD 0.00001; TOPMed 0.00003; ExAC 0.00005; gnomAD exomes 0.00005; 1000 Genomes Project 30x 0.00021; 1000 Genomes Project 0.00026.
gnomAD v4.1: 55 of 1,163,136 alleles (0.0047%); highest among the groups gnomAD compares: South Asian, 0.02%; no homozygotes.

Submissions (2):

PreventionGenetics, part of Exact Sciences
Classification: Likely benign for AIFM1-related condition. Last evaluated: 2025-05-22. Review status: criteria provided, single submitter. Criteria: ACMG Guidelines, 2015. Collection method: clinical testing. Allele origin: germline.
Comment: This variant is classified as likely benign based on ACMG/AMP sequence variant interpretation guidelines (Richards et al. 2015 PMID: 25741868, with internal and published modifications).

Labcorp Genetics (formerly Invitae), Labcorp
Classification: Likely benign for Charcot-Marie-Tooth Neuropathy X; Combined oxidative phosphorylation deficiency. Last evaluated: 2024-09-30. Review status: criteria provided, single submitter. Criteria: Invitae Variant Classification Sherloc (09022015). Collection method: clinical testing. Allele origin: germline.

NM_004208.4(AIFM1):c.250-5C>T

Genes: AIFM1 (apoptosis inducing factor mitochondria associated 1; minus strand), RAB33A (RAB33A, member RAS oncogene family; plus strand). Cytogenetic location: Xq26.1.
Variant type: single nucleotide variant.
Coding change: c.250-5C>T on transcript NM_004208.4 (MANE Select); 5 bases into the intron before coding-DNA position 250, C replaced by T.
Molecular consequence: intron variant.
Genome position (GRCh38, 1-based): chrX:130,149,573, G>A on the plus strand (C>T on the coding strand, the complement: AIFM1 is on the minus strand). VCF-style: chrX-130149573-G-A. GRCh37 (hg19) VCF-style: chrX-129283548-G-A.
Other names: c.238-5C>T (NM_145812.3); c.250-5C>T (NM_001130847.4).
Identifiers: ClinVar variation 703862 (VCV000703862.9), dbSNP rs200899184, ClinGen allele CA10515485.
Genomic context (GRCh38, chrX:130,149,573, plus strand): 5'-AACCCTGAAATTCTTTCATTGTATCTTTTTTCATCCTCTTTCATAGTCTTGTAGGCCTGC[G>A]GATCCAAACATGGAGAAAGTTTATTTCACCATACAGCTAGCTCATACTGTAAGTAATATT-3'